The following is an entry in ClinVar:

NM_001267550.2(TTN):c.103691C>G (p.Pro34564Arg)

Genes: TTN-AS1 (TTN antisense RNA 1; plus strand), TTN (titin; minus strand). Cytogenetic location: 2q31.2.
Variant type: single nucleotide variant.
Coding change: c.103691C>G on transcript NM_001267550.2 (MANE Select); coding-DNA position 103691, C replaced by G.
Protein change: p.Pro34564Arg; replaces proline 34564 with arginine.
Molecular consequence: missense variant.
Genome position (GRCh38, 1-based): chr2:178,532,924, G>C on the plus strand (C>G on the coding strand, the complement: TTN is on the minus strand). VCF-style: chr2-178532924-G-C. GRCh37 (hg19) VCF-style: chr2-179397651-G-C.
Other names: c.98768C>G, p.Pro32923Arg (NM_001256850.1); c.76496C>G, p.Pro25499Arg (NM_003319.4); c.95987C>G, p.Pro31996Arg (NM_133378.4); c.76871C>G, p.Pro25624Arg (NM_133432.3); c.77072C>G, p.Pro25691Arg (NM_133437.4); short protein forms P25624R, P31996R, P32923R, P25691R, P25499R, P34564R.
Identifiers: ClinVar variation 4790775 (VCV004790775.1).

ClinVar aggregate classification (germline): Uncertain significance (1 of 4 stars; one submission).

Conditions:
Autosomal recessive limb-girdle muscular dystrophy type 2J (LGMDR10). Also called: Limb-girdle muscular dystrophy, type 2J; MUSCULAR DYSTROPHY, LIMB-GIRDLE, AUTOSOMAL RECESSIVE 10. Identifiers: Orphanet 140922, MedGen C1837342, MONDO:0012127, OMIM 608807.
Dilated cardiomyopathy 1G (CMD1G). Identifiers: Orphanet 154, MedGen C1858763, MONDO:0011400, OMIM 604145.

Submission:

Labcorp Genetics (formerly Invitae), Labcorp
Classification: Uncertain significance for Dilated cardiomyopathy 1G; Autosomal recessive limb-girdle muscular dystrophy type 2J. Last evaluated: 2025-05-27. Review status: criteria provided, single submitter. Criteria: Invitae Variant Classification Sherloc (09022015). Collection method: clinical testing. Allele origin: germline.
Comment: This sequence change replaces proline, which is neutral and non-polar, with arginine, which is basic and polar, at codon 34564 of the TTN protein (p.Pro34564Arg). This variant is not present in population databases (gnomAD no frequency). This variant has not been reported in the literature in individuals affected with TTN-related conditions. Experimental studies and prediction algorithms are not available or were not evaluated, and the functional significance of this variant is currently unknown. This variant is located in the M band of TTN (PMID: 25589632). Non-truncating variants in this region may be relevant for neuromuscular disorders, but have not been definitively shown to cause cardiomyopathy (PMID: 23975875). In summary, the available evidence is currently insufficient to determine the role of this variant in disease. Therefore, it has been classified as a Variant of Uncertain Significance.

Literature cited by the submitters: PubMed 25589632; PubMed 23975875.